The following continues an entry in ClinVar:

NM_004985.5(KRAS):c.35G>A (p.Gly12Asp)

Gene: KRAS. ClinVar aggregate classification (germline): Pathogenic/Likely pathogenic. Pathogenic (13); Likely pathogenic (2). ClinVar aggregate classification (somatic clinical impact): Tier I - Strong. ClinVar aggregate classification (oncogenicity): Oncogenic.

Submission 49 of 49:

Thoracic Oncology Service, Memorial Sloan Kettering Cancer Center
Classification: Pathogenic for Non-small cell lung carcinoma. Review status: no assertion criteria provided. Collection method: research. Allele origin: somatic. Inheritance: Somatic mutation. Affected: yes. Not counted in ClinVar's aggregate classification.

Literature cited by the submitters: PubMed 30394973 (cited by Victorian Clinical Genetics Services, Murdoch Childrens Research Institute); PubMed 38097938 (cited by Victorian Clinical Genetics Services, Murdoch Childrens Research Institute); PubMed 40682439 (cited by Victorian Clinical Genetics Services, Murdoch Childrens Research Institute); PubMed 17704260 (cited by 3billion and Mayo Clinic Laboratories, Mayo Clinic); PubMed 21079152 (cited by 3billion and OMIM); PubMed 20570890 (cited by Institute for Genomic Medicine (IGM) Clinical Laboratory, Nationwide Children's Hospital); PubMed 26037647 (cited by Institute for Genomic Medicine (IGM) Clinical Laboratory, Nationwide Children's Hospital and Center for Genomic Medicine, Rigshospitalet, Copenhagen University Hospital); PubMed 2056968 (cited by Institute for Genomic Medicine (IGM) Clinical Laboratory, Nationwide Children's Hospital); PubMed 28572459 (cited by Institute for Genomic Medicine (IGM) Clinical Laboratory, Nationwide Children's Hospital); PubMed 32725342 (cited by Institute for Genomic Medicine (IGM) Clinical Laboratory, Nationwide Children's Hospital); PubMed 40362343 (cited by Institute for Genomic Medicine (IGM) Clinical Laboratory, Nationwide Children's Hospital); PubMed 15093544 (cited by 3 submitters); PubMed 24436047 (cited by Institute for Genomic Medicine (IGM) Clinical Laboratory, Nationwide Children's Hospital); PubMed 34166060 (cited by Institute for Genomic Medicine (IGM) Clinical Laboratory, Nationwide Children's Hospital); PubMed 25768946 (cited by Institute for Genomic Medicine (IGM) Clinical Laboratory, Nationwide Children's Hospital); PubMed 19681119 (cited by Institute for Genomic Medicine (IGM) Clinical Laboratory, Nationwide Children's Hospital); PubMed 24332040 (cited by Institute for Genomic Medicine (IGM) Clinical Laboratory, Nationwide Children's Hospital); PubMed 26138366 (cited by Institute for Genomic Medicine (IGM) Clinical Laboratory, Nationwide Children's Hospital); PubMed 20805368 (cited by 4 submitters); PubMed 22683711 (cited by 4 submitters); PubMed 23096712 (cited by 3 submitters); PubMed 23255105 (cited by Labcorp Genetics (formerly Invitae), Labcorp and Women's Health and Genetics/Laboratory Corporation of America, LabCorp); PubMed 26521233 (cited by Labcorp Genetics (formerly Invitae), Labcorp and Mayo Clinic Laboratories, Mayo Clinic); PubMed 26861459 (cited by Labcorp Genetics (formerly Invitae), Labcorp); PubMed 1875403 (cited by Labcorp Genetics (formerly Invitae), Labcorp); PubMed 24629489 (cited by Labcorp Genetics (formerly Invitae), Labcorp); PubMed 23174937 (cited by Labcorp Genetics (formerly Invitae), Labcorp); PubMed 25623042 (cited by Labcorp Genetics (formerly Invitae), Labcorp); PubMed 32289278 (cited by Institute for Genomic Medicine (IGM) Clinical Laboratory, Nationwide Children's Hospital); PubMed 23817572 (cited by Institute for Genomic Medicine (IGM) Clinical Laboratory, Nationwide Children's Hospital); PubMed 29880043 (cited by Institute for Genomic Medicine (IGM) Clinical Laboratory, Nationwide Children's Hospital); PubMed 28912153 (cited by Institute for Genomic Medicine (IGM) Clinical Laboratory, Nationwide Children's Hospital); PubMed 37524847 (cited by Institute for Genomic Medicine (IGM) Clinical Laboratory, Nationwide Children's Hospital); PubMed 30710203 (cited by Institute for Genomic Medicine (IGM) Clinical Laboratory, Nationwide Children's Hospital); PubMed 16474405 (cited by Center for Genomic Medicine, Rigshospitalet, Copenhagen University Hospital and Mayo Clinic Laboratories, Mayo Clinic); PubMed 22871572 (cited by Center for Genomic Medicine, Rigshospitalet, Copenhagen University Hospital); PubMed 25417114 (cited by Institute for Genomic Medicine (IGM) Clinical Laboratory, Nationwide Children's Hospital); PubMed 20824721 (cited by Institute for Genomic Medicine (IGM) Clinical Laboratory, Nationwide Children's Hospital); PubMed 20526288 (cited by Institute for Genomic Medicine (IGM) Clinical Laboratory, Nationwide Children's Hospital); PubMed 22150560 (cited by Institute for Genomic Medicine (IGM) Clinical Laboratory, Nationwide Children's Hospital); PubMed 23625203 (cited by Institute for Genomic Medicine (IGM) Clinical Laboratory, Nationwide Children's Hospital); PubMed 27494611 (cited by Institute for Genomic Medicine (IGM) Clinical Laboratory, Nationwide Children's Hospital); PubMed 32495721 (cited by Institute for Genomic Medicine (IGM) Clinical Laboratory, Nationwide Children's Hospital); PubMed 31540418 (cited by Institute for Genomic Medicine (IGM) Clinical Laboratory, Nationwide Children's Hospital); PubMed 24705251 (cited by Institute for Genomic Medicine (IGM) Clinical Laboratory, Nationwide Children's Hospital); PubMed 28966033 (cited by Institute for Genomic Medicine (IGM) Clinical Laboratory, Nationwide Children's Hospital); PubMed 35363510 (cited by Institute for Genomic Medicine (IGM) Clinical Laboratory, Nationwide Children's Hospital); PubMed 23965232 (cited by Institute for Genomic Medicine (IGM) Clinical Laboratory, Nationwide Children's Hospital); PubMed 31477716 (cited by Institute for Genomic Medicine (IGM) Clinical Laboratory, Nationwide Children's Hospital); PubMed 26257827 (cited by Institute for Genomic Medicine (IGM) Clinical Laboratory, Nationwide Children's Hospital); PubMed 29793804 (cited by Institute for Genomic Medicine (IGM) Clinical Laboratory, Nationwide Children's Hospital); PubMed 22810696 (cited by Institute for Genomic Medicine (IGM) Clinical Laboratory, Nationwide Children's Hospital); PubMed 27325016 (cited by Institute for Genomic Medicine (IGM) Clinical Laboratory, Nationwide Children's Hospital); PubMed 15696205 (cited by Mayo Clinic Laboratories, Mayo Clinic and Laboratory for Molecular Medicine, Mass General Brigham Personalized Medicine); PubMed 15842656 (cited by Mayo Clinic Laboratories, Mayo Clinic and Laboratory for Molecular Medicine, Mass General Brigham Personalized Medicine); PubMed 17332249 (cited by 3 submitters); PubMed 19358724 (cited by Mayo Clinic Laboratories, Mayo Clinic and Laboratory for Molecular Medicine, Mass General Brigham Personalized Medicine); PubMed 22499344 (cited by Mayo Clinic Laboratories, Mayo Clinic and OMIM); PubMed 26242988 (cited by Mayo Clinic Laboratories, Mayo Clinic); PubMed 29298116 (cited by Mayo Clinic Laboratories, Mayo Clinic and OMIM); PubMed 30544177 (cited by Mayo Clinic Laboratories, Mayo Clinic); PubMed 30902772 (cited by Mayo Clinic Laboratories, Mayo Clinic); PubMed 34114335 (cited by Mayo Clinic Laboratories, Mayo Clinic); PubMed 7773929 (cited by Mayo Clinic Laboratories, Mayo Clinic and OMIM); PubMed 8439212 (cited by Mayo Clinic Laboratories, Mayo Clinic and OMIM); PubMed 32154130 (cited by Institute for Genomic Medicine (IGM) Clinical Laboratory, Nationwide Children's Hospital); PubMed 25961940 (cited by Institute for Genomic Medicine (IGM) Clinical Laboratory, Nationwide Children's Hospital); PubMed 25917266 (cited by Institute for Genomic Medicine (IGM) Clinical Laboratory, Nationwide Children's Hospital); PubMed 27872090 (cited by Institute for Genomic Medicine (IGM) Clinical Laboratory, Nationwide Children's Hospital); PubMed 12720172 (cited by Women's Health and Genetics/Laboratory Corporation of America, LabCorp); PubMed 35794233 (cited by New York Genome Center); PubMed 25695684 (cited by Yale Center for Mendelian Genomics, Yale University); PubMed 17910045 (cited by Laboratory for Molecular Medicine, Mass General Brigham Personalized Medicine); PubMed 19047918 (cited by Laboratory for Molecular Medicine, Mass General Brigham Personalized Medicine); PubMed 20949522 (cited by OMIM); PubMed 31891627 (cited by Arin Greene Laboratory, Boston Children's Hospital, Harvard Medical School); PubMed 30443000 (cited by GeneReviews); NCBI Bookshelf NBK576966 (cited by GeneReviews).